The following is an entry in ClinVar:

NM_014679.5(CEP57):c.1484G>A (p.Ser495Asn)

Gene: CEP57 (centrosomal protein 57; plus strand). Cytogenetic location: 11q21.
Variant type: single nucleotide variant.
Coding change: c.1484G>A on transcript NM_014679.5 (MANE Select); coding-DNA position 1484, G replaced by A.
Protein change: p.Ser495Asn; replaces serine 495 with asparagine.
Molecular consequence: missense variant.
Genome position (GRCh38, 1-based): chr11:95,831,237, G>A. VCF-style: chr11-95831237-G-A. GRCh37 (hg19) VCF-style: chr11-95564401-G-A.
Other names: c.1457G>A, p.Ser486Asn (NM_001243776.2); c.1406G>A, p.Ser469Asn (NM_001243777.2); c.1403G>A, p.Ser468Asn (NM_001363604.2); c.1484G>A (NM_014679.4); short protein forms S468N, S469N, S486N, S495N.
Identifiers: ClinVar variation 1005140 (VCV001005140.11), dbSNP rs753006983, ClinGen allele CA6239796.
Genomic context (GRCh38, chr11:95,831,237, plus strand): 5'-GAAAAAATCTTCAGTTATTGAAGGACATGCAAAGCATACAGAATTCATTACAAAGCAGTA[G>A]TTTGTGTTGGGATTACTGACTCATAACCAGGTCAGAAATTTTATTCAGATAATCTGTACC-3'
Protein context (NP_055494.2, residues 485-500): QSIQNSLQSS[Ser495Asn]LCWDY

ClinVar aggregate classification (germline): Conflicting classifications of pathogenicity. Review status: criteria provided, conflicting classifications (1 of 4 stars). 2 submissions from 2 submitters: Uncertain significance (1); Likely benign (1). Last evaluated 2025-05-05.

Conditions:
Inborn genetic diseases. Identifiers: MedGen C0950123, MeSH D030342.
Mosaic variegated aneuploidy syndrome 2 (MVA2). Identifiers: Orphanet 1052, MedGen C3279843, MONDO:0013582, OMIM 614114.

Allele frequency attached by ClinVar (database versions not stated): ExAC 0.00001; gnomAD exomes 0.00001.

Submissions (2):

Labcorp Genetics (formerly Invitae), Labcorp
Classification: Uncertain significance for Mosaic variegated aneuploidy syndrome 2. Last evaluated: 2025-05-05. Review status: criteria provided, single submitter. Criteria: Invitae Variant Classification Sherloc (09022015). Collection method: clinical testing. Allele origin: germline.
Comment: This sequence change replaces serine, which is neutral and polar, with asparagine, which is neutral and polar, at codon 495 of the CEP57 protein (p.Ser495Asn). This variant is present in population databases (rs753006983, gnomAD 0.006%). This variant has not been reported in the literature in individuals affected with CEP57-related conditions. ClinVar contains an entry for this variant (Variation ID: 1005140). An algorithm developed to predict the effect of missense changes on protein structure and function outputs the following: PolyPhen-2: "Benign". The asparagine amino acid residue is found in multiple mammalian species, which suggests that this missense change does not adversely affect protein function. In summary, the available evidence is currently insufficient to determine the role of this variant in disease. Therefore, it has been classified as a Variant of Uncertain Significance.

Ambry Genetics
Classification: Likely benign for Inborn genetic diseases. Last evaluated: 2024-12-16. Review status: criteria provided, single submitter. Criteria: Ambry Variant Classification Scheme 2023. Collection method: clinical testing. Allele origin: germline.